The following is an entry in ClinVar:

NM_144701.3(IL23R):c.653-5del

Gene: IL23R (interleukin 23 receptor; plus strand). Cytogenetic location: 1p31.3.
Variant type: Deletion.
Coding change: c.653-5del on transcript NM_144701.3 (MANE Select); 5 bases into the intron before coding-DNA position 653, one base deleted (T; older notation c.653-5delT).
Molecular consequence: intron variant.
Genome position (GRCh38, 1-based): chr1:67,206,905, T deleted; the last of 21 consecutive T bases (chr1:67,206,885-67,206,905); deleting any one gives the same sequence. VCF-style (leftmost placement, unchanged base first): chr1-67206884-CT-C. GRCh37 (hg19) VCF-style: chr1-67672567-CT-C.
Identifiers: ClinVar variation 3059179 (VCV003059179.2), dbSNP rs557919248, ClinGen allele CA899784.

ClinVar aggregate classification (germline): Likely benign (0 of 4 stars; one submission).

Conditions:
IL23R-related disorder. Also called: IL23R-related condition.

Submission:

PreventionGenetics, part of Exact Sciences
Classification: Likely benign for IL23R-related condition. Last evaluated: 2021-07-29. Review status: no assertion criteria provided. Collection method: clinical testing. Allele origin: germline.
Comment: This variant is classified as likely benign based on ACMG/AMP sequence variant interpretation guidelines (Richards et al. 2015 PMID: 25741868, with internal and published modifications).